The following is an entry in ClinVar:

ClinVar aggregate classification (germline): Benign/Likely benign. Review status: criteria provided, multiple submitters, no conflicts (2 of 4 stars). 5 submissions from 5 submitters: Benign (2); Likely benign (3). Last evaluated 2026-09-01.

Conditions:
Early-infantile DEE. Also called: Early infantile epileptic encephalopathy; Early infantile epileptic encephalopathy with suppression bursts; Ohtahara syndrome. Identifiers: Orphanet 1934, MedGen C0393706, MONDO:0800491.
Inborn genetic diseases. Identifiers: MedGen C0950123, MeSH D030342.

Allele frequency attached by ClinVar (database versions not stated): gnomAD 0.00005; gnomAD exomes 0.00005 and 0.00011; TOPMed 0.00007; ExAC 0.00013.
gnomAD v4.1: 36 of 1,613,540 alleles (0.0022%); highest among the groups gnomAD compares: Admixed American, 0.052%; no homozygotes.

Submissions (5):

CeGaT Center for Human Genetics Tuebingen
Classification: Likely benign. Last evaluated: 2026-09-01. Review status: criteria provided, single submitter. Criteria: CeGaT Center For Human Genetics Tuebingen Variant Classification Criteria Version 2. Collection method: clinical testing. Allele origin: germline. Affected: yes. Observed: 1 variant allele.
Comment: SCN1A: BP4, BS2

Labcorp Genetics (formerly Invitae), Labcorp
Classification: Benign for Early-infantile DEE. Last evaluated: 2025-10-27. Review status: criteria provided, single submitter. Criteria: Invitae Variant Classification Sherloc (09022015). Collection method: clinical testing. Allele origin: germline.

GeneDx
Classification: Likely benign. Last evaluated: 2020-07-10. Review status: criteria provided, single submitter. Criteria: GeneDx Variant Classification Process June 2021. Collection method: clinical testing. Allele origin: germline. Affected: yes.

Ambry Genetics
Classification: Likely benign for Inborn genetic diseases. Last evaluated: 2019-12-26. Review status: criteria provided, single submitter. Criteria: Ambry Variant Classification Scheme 2023. Collection method: clinical testing. Allele origin: germline.

Women's Health and Genetics/Laboratory Corporation of America, LabCorp
Classification: Benign. Last evaluated: 2017-05-25. Review status: criteria provided, single submitter. Criteria: LabCorp Variant Classification Summary - May 2015. Collection method: clinical testing. Allele origin: germline.
Comment: Variant summary: The SCN1A c.4905C>T (p.Phe1635Phe) variant involves the alteration of a conserved nucleotide causing a synonymous change that 4/5 splice prediction tools predict no significant impact on normal splicing. ESE finder predicts that this variant may affect ESE binding sites. However, these predictions have yet to be confirmed by functional studies. This variant was found in 16/121320 control chromosomes, predominantly in the Latino subpopulation at a frequency of 0.001215 (14/11520). This frequency is about 68 times the estimated maximal expected allele frequency of a pathogenic SCN1A variant (0.0000179). Therefore, suggesting this is likely a benign polymorphism found predominantly in population(s) of Latino origin. The variant of interest has not, to our knowledge, been reported in affected individuals via publications and/or reputable databases/clinical diagnostic laboratories; nor evaluated for functional impact by in vivo/vitro studies. Taken together, this variant is classified as benign.

NM_001165963.4(SCN1A):c.4905C>T (p.Phe1635=)

Genes: SCN1A (sodium voltage-gated channel alpha subunit 1; minus strand), LOC102724058 (uncharacterized LOC102724058; plus strand). Cytogenetic location: 2q24.3.
Variant type: single nucleotide variant.
Coding change: c.4905C>T on transcript NM_001165963.4 (MANE Select); coding-DNA position 4905, C replaced by T.
Protein change: p.Phe1635=; no amino-acid change (phenylalanine 1635 retained).
Molecular consequence: synonymous variant. On other transcripts: non-coding transcript variant (1).
Genome position (GRCh38, 1-based): chr2:165,992,370, G>A on the plus strand (C>T on the coding strand, the complement: SCN1A is on the minus strand). VCF-style: chr2-165992370-G-A. GRCh37 (hg19) VCF-style: chr2-166848880-G-A.
Other names: c.4821C>T, p.Phe1607= (NM_001165964.3, NM_001353957.2, NM_001353958.2); c.4905C>T, p.Phe1635= (NM_001202435.3, NM_001353948.2); c.4872C>T, p.Phe1624= (NM_001353949.2, NM_001353950.2, NM_001353951.2 and 2 more transcripts); c.4869C>T, p.Phe1623= (NM_001353954.2, NM_001353955.2); c.4818C>T, p.Phe1606= (NM_001353960.2); c.2463C>T, p.Phe821= (NM_001353961.2).
Identifiers: ClinVar variation 496121 (VCV000496121.16), dbSNP rs774858072, ClinGen allele CA1942712.
Genomic context (GRCh38, chr2:165,992,370, plus strand): 5'-CCCCTTTGCTCCTTTGATCAGACGTAGGATTCGGCCAATCCTAGCAAGACGGATCACTCG[G>A]AACAGGGTAGGGGACACGAAATACTTTTCTATCAGCTCGGCAAGAAACATACCTATGAAT-3'
Protein context (NP_001159435.1, residues 1625-1645): IEKYFVSPTL[Phe1635=]RVIRLARIGR